The following is an entry in ClinVar:

ClinVar aggregate classification (germline): Uncertain significance (1 of 4 stars; one submission).

Submission:

Women's Health and Genetics/Laboratory Corporation of America, LabCorp
Classification: Uncertain significance. Last evaluated: 2025-12-31. Review status: criteria provided, single submitter. Criteria: LabCorp Variant Classification Summary - May 2015. Collection method: clinical testing. Allele origin: germline.
Comment: Variant summary: PCDH19 c.2578C>A (p.Gln860Lys) results in a conservative amino acid change in the encoded protein sequence. Algorithms developed to predict the effect of missense changes on protein structure and function are either unavailable or do not agree on the potential impact of this missense change. The variant was absent in 181365 control chromosomes. The available data on variant occurrences in the general population are insufficient to allow any conclusion about variant significance. To our knowledge, no occurrence of c.2578C>A in individuals affected with PCDH19-related conditions and no experimental evidence demonstrating its impact on protein function have been reported. No submitters have cited clinical-significance assessments for this variant to ClinVar. Based on the evidence outlined above, the variant was classified as uncertain significance.

NM_001184880.2(PCDH19):c.2578C>A (p.Gln860Lys)

Genes: PCDH19 (protocadherin 19; minus strand), LOC125467768 (CDK7 strongly-dependent group 2 enhancer GRCh37_chrX:99657381-99658580; plus strand). Cytogenetic location: Xq22.1.
Variant type: single nucleotide variant.
Coding change: c.2578C>A on transcript NM_001184880.2 (MANE Select); coding-DNA position 2578, C replaced by A.
Protein change: p.Gln860Lys; replaces glutamine 860 with lysine.
Molecular consequence: missense variant.
Genome position (GRCh38, 1-based): chrX:100,402,562, G>T on the plus strand (C>A on the coding strand, the complement: PCDH19 is on the minus strand). VCF-style: chrX-100402562-G-T. GRCh37 (hg19) VCF-style: chrX-99657560-G-T.
Other names: c.2437C>A, p.Gln813Lys (NM_001105243.2, NM_020766.3); short protein forms Q813K, Q860K.
Identifiers: ClinVar variation 4688891 (VCV004688891.1).
Genomic context (GRCh38, chrX:100,402,562, plus strand): 5'-AGAGCCACTTAGCTGCACTCACCTCAGGCAGAGGCACACCGTTGATAATCAGGTCAGGCT[G>T]CTGGGGCCCCTGGCTGTTGAAAGAGTGATGGTAGATGTGGTTAGCACTGGTGTTGCGGGT-3'
Protein context (NP_001171809.1, residues 850-870): HHSFNSQGPQ[Gln860Lys]PDLIINGVPL